The following is an entry in ClinVar:

ClinVar aggregate classification (germline): Uncertain significance (1 of 4 stars; one submission).

Submission:

CeGaT Center for Human Genetics Tuebingen
Classification: Uncertain significance. Last evaluated: 2026-07-01. Review status: criteria provided, single submitter. Criteria: CeGaT Center For Human Genetics Tuebingen Variant Classification Criteria Version 2. Collection method: clinical testing. Allele origin: germline. Affected: yes. Observed: 1 variant allele.
Comment: EPHB4: PM2

NM_004444.5(EPHB4):c.1615_1616delinsCT (p.Ala539Leu)

Gene: EPHB4 (EPH receptor B4; minus strand). Cytogenetic location: 7q22.1.
Variant type: Indel.
Coding change: c.1615_1616delinsCT on transcript NM_004444.5 (MANE Select); coding-DNA positions 1615 to 1616, GC replaced by CT.
Protein change: p.Ala539Leu; replaces alanine 539 with leucine.
Molecular consequence: missense variant.
Genome position (GRCh38, 1-based): chr7:100,813,994-100,813,995, GC replaced by AG on the plus strand (GC replaced by CT on the coding strand, the reverse complement: EPHB4 is on the minus strand). VCF-style: chr7-100813994-GC-AG. GRCh37 (hg19) VCF-style: chr7-100411616-GC-AG.
Other names: short protein forms A539L.
Identifiers: ClinVar variation 5040542 (VCV005040542.1).